The following is an entry in ClinVar:

NM_003906.5(MCM3AP):c.2926C>T (p.Arg976Cys)

Gene: MCM3AP (minichromosome maintenance complex component 3 associated protein; minus strand). Cytogenetic location: 21q22.3.
Variant type: single nucleotide variant.
Coding change: c.2926C>T on transcript NM_003906.5 (MANE Select); coding-DNA position 2926, C replaced by T.
Protein change: p.Arg976Cys; replaces arginine 976 with cysteine.
Molecular consequence: missense variant.
Genome position (GRCh38, 1-based): chr21:46,266,030, G>A on the plus strand (C>T on the coding strand, the complement: MCM3AP is on the minus strand). VCF-style: chr21-46266030-G-A. GRCh37 (hg19) VCF-style: chr21-47685944-G-A.
Other names: short protein forms R976C.
Identifiers: ClinVar variation 1504472 (VCV001504472.4), dbSNP rs778969072, ClinGen allele CA10076688.
Genomic context (GRCh38, chr21:46,266,030, plus strand): 5'-CGGCCAGGCTCTCCCCGATGTACTTGTTCTGGGAGTTGAAGCTGCACACAGGGGTATGAC[G>A]AGGGACGGGGGGCAATGGCCCTCCGTTCACAATTTCCCCGACTGACACCGTCAGCTTCCT-3'
Protein context (NP_003897.2, residues 966-986): VNGGPLPPVP[Arg976Cys]HTPVCSFNSQ

ClinVar aggregate classification (germline): Uncertain significance (1 of 4 stars; one submission).

Allele frequency attached by ClinVar (database versions not stated): gnomAD exomes below 0.00001; ExAC 0.00001; gnomAD 0.00001; TOPMed 0.00001.
gnomAD v4.1: 6 of 1,611,950 alleles (0.00037%); highest among the groups gnomAD compares: East Asian, 0.0022%; no homozygotes.

Submission:

Labcorp Genetics (formerly Invitae), Labcorp
Classification: Uncertain significance. Last evaluated: 2021-10-27. Review status: criteria provided, single submitter. Criteria: Invitae Variant Classification Sherloc (09022015). Collection method: clinical testing. Allele origin: germline.
Comment: In summary, the available evidence is currently insufficient to determine the role of this variant in disease. Therefore, it has been classified as a Variant of Uncertain Significance. Algorithms developed to predict the effect of missense changes on protein structure and function output the following: SIFT: "Tolerated"; PolyPhen-2: "Benign"; Align-GVGD: "Class C0". The cysteine amino acid residue is found in multiple mammalian species, which suggests that this missense change does not adversely affect protein function. This variant has not been reported in the literature in individuals affected with MCM3AP-related conditions. This variant is present in population databases (rs778969072, gnomAD 0.006%). This sequence change replaces arginine, which is basic and polar, with cysteine, which is neutral and slightly polar, at codon 976 of the MCM3AP protein (p.Arg976Cys).